The following is an entry in ClinVar:

ClinVar aggregate classification (germline): Uncertain significance (1 of 4 stars; one submission).

Allele frequency attached by ClinVar (database versions not stated): gnomAD exomes below 0.00001.
gnomAD v4.1: 1 of 1,613,860 alleles (0.000062%); highest among the groups gnomAD compares: Admixed American, 0.0017%; no homozygotes.

Submission:

Labcorp Genetics (formerly Invitae), Labcorp
Classification: Uncertain significance. Last evaluated: 2025-03-18. Review status: criteria provided, single submitter. Criteria: Invitae Variant Classification Sherloc (09022015). Collection method: clinical testing. Allele origin: germline.
Comment: This sequence change replaces serine, which is neutral and polar, with threonine, which is neutral and polar, at codon 627 of the ANLN protein (p.Ser627Thr). This variant is present in population databases (no rsID available, gnomAD 0.003%). This variant has not been reported in the literature in individuals affected with ANLN-related conditions. ClinVar contains an entry for this variant (Variation ID: 1487282). Invitae Evidence Modeling of protein sequence and biophysical properties (such as structural, functional, and spatial information, amino acid conservation, physicochemical variation, residue mobility, and thermodynamic stability) indicates that this missense variant is not expected to disrupt ANLN protein function with a negative predictive value of 80%. In summary, the available evidence is currently insufficient to determine the role of this variant in disease. Therefore, it has been classified as a Variant of Uncertain Significance.

NM_018685.5(ANLN):c.1879T>A (p.Ser627Thr)

Gene: ANLN (anillin, actin binding protein; plus strand). Cytogenetic location: 7p14.2.
Variant type: single nucleotide variant.
Coding change: c.1879T>A on transcript NM_018685.5 (MANE Select); coding-DNA position 1879, T replaced by A.
Protein change: p.Ser627Thr; replaces serine 627 with threonine.
Molecular consequence: missense variant.
Genome position (GRCh38, 1-based): chr7:36,420,178, T>A. VCF-style: chr7-36420178-T-A. GRCh37 (hg19) VCF-style: chr7-36459787-T-A.
Other names: c.1768T>A, p.Ser590Thr (NM_001284301.3); c.1765T>A, p.Ser589Thr (NM_001284302.3); short protein forms S627T, S589T, S590T.
Identifiers: ClinVar variation 1487282 (VCV001487282.8), dbSNP rs1281408084, ClinGen allele CA367212464.
Genomic context (GRCh38, chr7:36,420,178, plus strand): 5'-AATGAATTATCATTTAGGATCAATGTTAATATCTGATGCGTTTTCCCACAGAGTTTAGTG[T>A]CCACACCTAGACTGGAATTGAAAGACACCAGCAGAAGTGATGAAAGTCCAAAACCAGGAA-3'
Protein context (NP_061155.2, residues 617-637): VGVVSPESLV[Ser627Thr]TPRLELKDTS